The following is an entry in ClinVar:

ClinVar aggregate classification (germline): Benign/Likely benign. Review status: criteria provided, multiple submitters, no conflicts (2 of 4 stars). 10 submissions from 9 submitters: Benign (6); Likely benign (3). 1 of the submissions does not count toward it. Last evaluated 2026-01-26.

Conditions:
Usher syndrome type 1 (USH1). Also called: RETINITIS PIGMENTOSA AND CONGENITAL DEAFNESS. Identifiers: Orphanet 231169, Orphanet 886, MedGen C1568247, MONDO:0010168, OMIM 276900.
Autosomal recessive nonsyndromic hearing loss 12. Also called: DEAFNESS, AUTOSOMAL RECESSIVE 12. Identifiers: Orphanet 90636, MedGen C1832394, MONDO:0011067, OMIM 601386.
Usher syndrome type 1D (USH1D). Also called: USHER SYNDROME, TYPE ID. Identifiers: Orphanet 231169, Orphanet 886, MedGen C1832845, MONDO:0010984, OMIM 601067.

Allele frequency attached by ClinVar (database versions not stated): gnomAD 0.00003; TOPMed 0.00006; 1000 Genomes Project 30x 0.00265; 1000 Genomes Project 0.00280.

Submissions (10):

Labcorp Genetics (formerly Invitae), Labcorp
Classification: Benign. Last evaluated: 2026-01-26. Review status: criteria provided, single submitter. Criteria: Invitae Variant Classification Sherloc (09022015). Collection method: clinical testing. Allele origin: germline.

CeGaT Center for Human Genetics Tuebingen
Classification: Likely benign. Last evaluated: 2026-01-01. Review status: criteria provided, single submitter. Criteria: CeGaT Center For Human Genetics Tuebingen Variant Classification Criteria Version 2. Collection method: clinical testing. Allele origin: germline. Affected: yes. Observed: 2 variant alleles.
Comment: CDH23: BS2

Blueprint Genetics
Classification: Likely benign. Last evaluated: 2024-11-12. Review status: criteria provided, single submitter. Criteria: ACMG Guidelines, 2015. Collection method: clinical testing. Allele origin: germline.

Women's Health and Genetics/Laboratory Corporation of America, LabCorp
Classification: Benign. Last evaluated: 2022-02-22. Review status: criteria provided, single submitter. Criteria: LabCorp Variant Classification Summary - May 2015. Collection method: clinical testing. Allele origin: germline.
Comment: Variant summary: CDH23 c.9014C>G (p.Ala3005Gly) results in a non-conservative amino acid change in the encoded protein sequence. Three of five in-silico tools predict a benign effect of the variant on protein function. The variant allele was found at a frequency of 0.0013 in 249262 control chromosomes (gnomAD), predominantly at a frequency of 0.0097 within the South Asian subpopulation in the gnomAD database, including 4 homozygotes. The observed variant frequency within South Asian control individuals in the gnomAD database is approximately 3.0054 fold of the estimated maximal expected allele frequency for a pathogenic variant in CDH23 causing Usher Syndrome phenotype (0.0032), suggesting that the variant is a benign polymorphism found primarily in populations of South Asian origin. c.9014C>G has been reported in the literature in individuals affected with autosomal recexsive non-syndromic hearing loss (Sloan-Heggen_2016), however this report does not provide unequivocal conclusions about association of the variant with Usher Syndrome. To our knowledge, no experimental evidence demonstrating an impact on protein function has been reported. Seven ClinVar submitters have assessed the variant since 2014: six have classified the variant as benign and one as likely benign. Based on the evidence outlined above, the variant was classified as benign.

GeneDx
Classification: Benign. Last evaluated: 2019-05-15. Review status: criteria provided, single submitter. Criteria: GeneDx Variant Classification Process June 2021. Collection method: clinical testing. Allele origin: germline. Affected: yes.
Comment: This variant is associated with the following publications: (PMID: 26969326)

Illumina Laboratory Services, Illumina
Classification: Benign for Usher syndrome type 1D. Last evaluated: 2017-10-16. Review status: criteria provided, single submitter. Criteria: ICSL Variant Classification Criteria 13 December 2019. Collection method: clinical testing. Allele origin: germline.
Comment: This variant was observed as part of a predisposition screen in an ostensibly healthy population. A literature search was performed for the gene, cDNA change, and amino acid change (where applicable). No publications were found based on this search. Allele frequency data from public databases was too high to be consistent with this variant causing disease. Therefore, this variant is classified as benign.

Illumina Laboratory Services, Illumina
Classification: Likely benign for Autosomal recessive nonsyndromic hearing loss 12. Last evaluated: 2017-10-16. Review status: criteria provided, single submitter. Criteria: ICSL Variant Classification Criteria 13 December 2019. Collection method: clinical testing. Allele origin: germline.
Comment: This variant was observed as part of a predisposition screen in an ostensibly healthy population. A literature search was performed for the gene, cDNA change, and amino acid change (where applicable). Publications were found based on this search. The evidence from the literature, in combination with allele frequency data from public databases where available, was sufficient to determine this variant is unlikely to cause disease. Therefore, this variant is classified as likely benign.

Eurofins Ntd Llc (ga)
Classification: Benign. Last evaluated: 2016-10-28. Review status: criteria provided, single submitter. Criteria: EGL Classification Definitions 2015. Collection method: clinical testing. Allele origin: germline. Observed: 1 variant allele, 1 homozygote.

Laboratory for Molecular Medicine, Mass General Brigham Personalized Medicine
Classification: Benign. Last evaluated: 2016-03-03. Review status: criteria provided, single submitter. Criteria: LMM Criteria. Collection method: clinical testing. Allele origin: germline. Observed: 1 variant allele.
Comment: p.Ala3005Gly in exon 62 of CDH23: This variant is not expected to have clinical significance because it has been identified in 1% (162/16502) of South Asian chr omosomes by the Exome Aggregation Consortium (ExAC, rg; dbSNP rs188966938)

Natera, Inc.
Classification: Benign for Usher syndrome type 1. Last evaluated: 2019-12-26. Review status: no assertion criteria provided. Collection method: clinical testing. Allele origin: germline. Not counted in ClinVar's aggregate classification.

Literature cited by the submitters: PubMed 26969326 (cited by Women's Health and Genetics/Laboratory Corporation of America, LabCorp and Illumina Laboratory Services, Illumina).

NM_022124.6(CDH23):c.9014C>G (p.Ala3005Gly)

Gene: CDH23 (cadherin related 23; plus strand). Cytogenetic location: 10q22.1.
Variant type: single nucleotide variant.
Coding change: c.9014C>G on transcript NM_022124.6 (MANE Select); coding-DNA position 9014, C replaced by G.
Protein change: p.Ala3005Gly; replaces alanine 3005 with glycine.
Molecular consequence: missense variant.
Genome position (GRCh38, 1-based): chr10:71,810,506, C>G. VCF-style: chr10-71810506-C-G. GRCh37 (hg19) VCF-style: chr10-73570263-C-G.
Other names: c.2294C>G, p.Ala765Gly (NM_001171933.1, NM_001171934.1); short protein forms A3005G, A765G.
Identifiers: ClinVar variation 226500 (VCV000226500.46), dbSNP rs188966938, ClinGen allele CA5546832.